The following is an entry in ClinVar:

NM_001134831.2(AHI1):c.-140+7A>G

Gene: AHI1 (Abelson helper integration site 1; minus strand). Cytogenetic location: 6q23.3.
Variant type: single nucleotide variant.
Coding change: c.-140+7A>G on transcript NM_001134831.2 (MANE Select); 7 bases into the intron after 140 bases upstream of the start codon, A replaced by G.
Molecular consequence: intron variant.
Genome position (GRCh38, 1-based): chr6:135,497,181, T>C on the plus strand (A>G on the coding strand, the complement: AHI1 is on the minus strand). VCF-style: chr6-135497181-T-C. GRCh37 (hg19) VCF-style: chr6-135818319-T-C.
Other names: c.-55+402A>G (NM_001134830.2); c.-311+402A>G (NM_001350503.2); c.-55+7A>G (NM_017651.5, NM_001134832.2); c.-140+7A>G (NM_001350504.2).
Identifiers: ClinVar variation 4990308 (VCV004990308.1).

ClinVar aggregate classification (germline): Likely benign (1 of 4 stars; one submission).

Conditions:
AHI1-related disorder. Also called: AHI1-related condition.

Submission:

PreventionGenetics, part of Exact Sciences
Classification: Likely benign for AHI1-related condition. Last evaluated: 2024-12-20. Review status: criteria provided, single submitter. Criteria: ACMG Guidelines, 2015. Collection method: clinical testing. Allele origin: germline.
Comment: This variant is classified as likely benign based on ACMG/AMP sequence variant interpretation guidelines (Richards et al. 2015 PMID: 25741868, with internal and published modifications).